The following is an entry in ClinVar:

NM_002691.4(POLD1):c.625T>C (p.Phe209Leu)

Gene: POLD1 (DNA polymerase delta 1, catalytic subunit; plus strand). Cytogenetic location: 19q13.33.
Variant type: single nucleotide variant.
Coding change: c.625T>C on transcript NM_002691.4 (MANE Select); coding-DNA position 625, T replaced by C.
Protein change: p.Phe209Leu; replaces phenylalanine 209 with leucine.
Molecular consequence: missense variant. On other transcripts: non-coding transcript variant (1).
Genome position (GRCh38, 1-based): chr19:50,402,240, T>C. VCF-style: chr19-50402240-T-C. GRCh37 (hg19) VCF-style: chr19-50905497-T-C.
Other names: c.625T>C, p.Phe209Leu (NM_001256849.1, NM_001308632.1); short protein forms F209L.
Identifiers: ClinVar variation 1752497 (VCV001752497.3), dbSNP rs2513962898, ClinGen allele CA406973957.

ClinVar aggregate classification (germline): Uncertain significance (1 of 4 stars; one submission).

Conditions:
Hereditary cancer-predisposing syndrome. Also called: Hereditary Cancer Syndrome; Hereditary neoplastic syndrome; Neoplastic Syndromes, Hereditary; Tumor predisposition. Identifiers: Orphanet 140162, MedGen C0027672, MeSH D009386, MONDO:0015356.

Submission:

Ambry Genetics
Classification: Uncertain significance for Hereditary cancer-predisposing syndrome. Last evaluated: 2024-04-18. Review status: criteria provided, single submitter. Criteria: Ambry Variant Classification Scheme 2023. Collection method: clinical testing. Allele origin: germline.
Comment: The p.F209L variant (also known as c.625T>C), located in coding exon 5 of the POLD1 gene, results from a T to C substitution at nucleotide position 625. The phenylalanine at codon 209 is replaced by leucine, an amino acid with highly similar properties. This amino acid position is conserved. In addition, the in silico prediction for this alteration is inconclusive. Since supporting evidence is limited at this time, the clinical significance of this alteration remains unclear.